The following is an entry in ClinVar:

NM_001397.3(ECE1):c.1060A>G (p.Thr354Ala)

Gene: ECE1 (endothelin converting enzyme 1; minus strand). Cytogenetic location: 1p36.12.
Variant type: single nucleotide variant.
Coding change: c.1060A>G on transcript NM_001397.3 (MANE Select); coding-DNA position 1060, A replaced by G.
Protein change: p.Thr354Ala; replaces threonine 354 with alanine.
Molecular consequence: missense variant.
Genome position (GRCh38, 1-based): chr1:21,247,324, T>C on the plus strand (A>G on the coding strand, the complement: ECE1 is on the minus strand). VCF-style: chr1-21247324-T-C. GRCh37 (hg19) VCF-style: chr1-21573817-T-C.
Other names: c.1024A>G, p.Thr342Ala (NM_001113347.2); c.1012A>G, p.Thr338Ala (NM_001113348.2); c.1051A>G, p.Thr351Ala (NM_001113349.2); short protein forms T338A, T342A, T351A, T354A.
Identifiers: ClinVar variation 3039666 (VCV003039666.2), dbSNP rs139326467, ClinGen allele CA665274.

ClinVar aggregate classification (germline): Benign (0 of 4 stars; one submission).

Conditions:
ECE1-related disorder. Also called: ECE1-related condition.

Allele frequency attached by ClinVar (database versions not stated): gnomAD exomes 0.00012; ExAC 0.00036; 1000 Genomes Project 30x 0.00109; 1000 Genomes Project 0.00120; gnomAD 0.00142; ESP Exome Variant Server 0.00169; TOPMed 0.00170.

Submission:

PreventionGenetics, part of Exact Sciences
Classification: Benign for ECE1-related condition. Last evaluated: 2019-05-23. Review status: no assertion criteria provided. Collection method: clinical testing. Allele origin: germline.
Comment: This variant is classified as benign based on ACMG/AMP sequence variant interpretation guidelines (Richards et al. 2015 PMID: 25741868, with internal and published modifications).